The following is an entry in ClinVar:

ClinVar aggregate classification (germline): Conflicting classifications of pathogenicity. Review status: criteria provided, conflicting classifications (1 of 4 stars). 3 submissions from 3 submitters: Pathogenic (1); Likely pathogenic (1); Uncertain significance (1). Last evaluated 2026-01-12.

Conditions:
Inborn genetic diseases. Identifiers: MedGen C0950123, MeSH D030342.
Medium-chain acyl-coenzyme A dehydrogenase deficiency (ACADMD). Also called: MCADD; MCAD Deficiency; ACADM DEFICIENCY; Medium chain acyl-CoA dehydrogenase deficiency; MCADH DEFICIENCY; CARNITINE DEFICIENCY SECONDARY TO MEDIUM-CHAIN ACYL-CoA DEHYDROGENASE DEFICIENCY. Identifiers: Orphanet 42, MedGen C0220710, MONDO:0008721, OMIM 201450.

Submissions (3):

Labcorp Genetics (formerly Invitae), Labcorp
Classification: Pathogenic for Medium-chain acyl-coenzyme A dehydrogenase deficiency. Last evaluated: 2026-01-12. Review status: criteria provided, single submitter. Criteria: Invitae Variant Classification Sherloc (09022015). Collection method: clinical testing. Allele origin: germline.
Comment: This sequence change replaces glutamine, which is neutral and polar, with glutamic acid, which is acidic and polar, at codon 317 of the ACADM protein (p.Gln317Glu). This variant is not present in population databases (gnomAD no frequency). This missense change has been observed in individual(s) with medium-chain acyl-coenzyme A dehydrogenase deficiency (internal data). ClinVar contains an entry for this variant (Variation ID: 1482612). Invitae Evidence Modeling of protein sequence and biophysical properties (such as structural, functional, and spatial information, amino acid conservation, physicochemical variation, residue mobility, and thermodynamic stability) indicates that this missense variant is not expected to disrupt ACADM protein function with a negative predictive value of 80%. This variant disrupts the p.Gln317 amino acid residue in ACADM. Other variant(s) that disrupt this residue have been determined to be pathogenic (internal data). This suggests that this residue is clinically significant, and that variants that disrupt this residue are likely to be disease-causing. For these reasons, this variant has been classified as Pathogenic.

Ambry Genetics
Classification: Uncertain significance for Inborn genetic diseases. Last evaluated: 2025-08-26. Review status: criteria provided, single submitter. Criteria: Ambry Variant Classification Scheme 2023. Collection method: clinical testing. Allele origin: germline.

Fulgent Genetics
Classification: Likely pathogenic for Medium-chain acyl-coenzyme A dehydrogenase deficiency. Last evaluated: 2024-02-20. Review status: criteria provided, single submitter. Criteria: ACMG Guidelines, 2015. Collection method: clinical testing. Allele origin: germline.

NM_000016.6(ACADM):c.949C>G (p.Gln317Glu)

Gene: ACADM (acyl-CoA dehydrogenase medium chain; plus strand). Cytogenetic location: 1p31.1.
Variant type: single nucleotide variant.
Coding change: c.949C>G on transcript NM_000016.6 (MANE Select); coding-DNA position 949, C replaced by G.
Protein change: p.Gln317Glu; replaces glutamine 317 with glutamic acid.
Molecular consequence: missense variant.
Genome position (GRCh38, 1-based): chr1:75,761,125, C>G. VCF-style: chr1-75761125-C-G. GRCh37 (hg19) VCF-style: chr1-76226810-C-G.
Other names: c.949C>G (NM_000016.4); c.961C>G, p.Gln321Glu (NM_001127328.3); c.841C>G, p.Gln281Glu (NM_001286042.2); c.1048C>G, p.Gln350Glu (NM_001286043.2); c.382C>G, p.Gln128Glu (NM_001286044.2); short protein forms Q350E, Q317E, Q321E, Q128E, Q281E.
Identifiers: ClinVar variation 1482612 (VCV001482612.8), dbSNP rs1057516564, ClinGen allele CA340817840.